The following is an entry in ClinVar:

NM_194279.4(ISCA2):c.293T>G (p.Val98Gly)

Gene: ISCA2 (iron-sulfur cluster assembly 2; plus strand). Cytogenetic location: 14q24.3.
Variant type: single nucleotide variant.
Coding change: c.293T>G on transcript NM_194279.4 (MANE Select); coding-DNA position 293, T replaced by G.
Protein change: p.Val98Gly; replaces valine 98 with glycine.
Molecular consequence: missense variant. On other transcripts: synonymous variant (1).
Genome position (GRCh38, 1-based): chr14:74,494,828, T>G. VCF-style: chr14-74494828-T-G. GRCh37 (hg19) VCF-style: chr14-74961531-T-G.
Other names: c.177T>G, p.Gly59= (NM_001272007.2); short protein forms V98G.
Identifiers: ClinVar variation 4532675 (VCV004532675.1).
Genomic context (GRCh38, chr14:74,494,828, plus strand): 5'-AGGGGGTGTCTTTTTTGTGTTTGCGATACTCCTTAATGCCTTCCTCCTGTCTTTTCAGGG[T>G]ATTTGAACAGGGTGGGGCAAGAGTGGTGGTTGACTCTGATAGCTTGGCCTTCGTGAAAGG-3'
Protein context (NP_919255.2, residues 88-108): LDTVINPDDR[Val98Gly]FEQGGARVVV

ClinVar aggregate classification (germline): Uncertain significance (1 of 4 stars; one submission).

Submission:

GeneDx
Classification: Uncertain significance. Last evaluated: 2025-05-27. Review status: criteria provided, single submitter. Criteria: GeneDx Variant Classification Process June 2021. Collection method: clinical testing. Allele origin: germline. Affected: yes.
Comment: Not observed at significant frequency in large population cohorts (gnomAD); In silico analysis supports that this missense variant has a deleterious effect on protein structure/function; Has not been previously published as pathogenic or benign to our knowledge